The following is an entry in ClinVar:

NM_133433.4(NIPBL):c.526A>C (p.Ser176Arg)

Gene: NIPBL (NIPBL cohesin loading factor; plus strand). Cytogenetic location: 5p13.2.
Variant type: single nucleotide variant.
Coding change: c.526A>C on transcript NM_133433.4 (MANE Select); coding-DNA position 526, A replaced by C.
Protein change: p.Ser176Arg; replaces serine 176 with arginine.
Molecular consequence: missense variant.
Genome position (GRCh38, 1-based): chr5:36,962,190, A>C. VCF-style: chr5-36962190-A-C. GRCh37 (hg19) VCF-style: chr5-36962292-A-C.
Other names: c.526A>C, p.Ser176Arg (NM_001438586.1, NM_015384.5); short protein forms S176R.
Identifiers: ClinVar variation 4993068 (VCV004993068.1).

ClinVar aggregate classification (germline): Uncertain significance (1 of 4 stars; one submission).

Conditions:
NIPBL-related disorder. Also called: NIPBL-related condition.

Submission:

PreventionGenetics, part of Exact Sciences
Classification: Uncertain significance for NIPBL-related condition. Last evaluated: 2025-11-24. Review status: criteria provided, single submitter. Criteria: ACMG Guidelines, 2015. Collection method: clinical testing. Allele origin: germline.
Comment: The NIPBL c.526A>C variant is predicted to result in the amino acid substitution p.Ser176Arg. To our knowledge, this variant has not been reported in the literature or in a large population database (gnomAD), indicating this variant is rare. At this time, the clinical significance of this variant is uncertain due to the absence of conclusive functional and genetic evidence.